The following is an entry in ClinVar:

NM_001040108.2(MLH3):c.4189A>G (p.Arg1397Gly)

Gene: MLH3 (mutL homolog 3; minus strand). Cytogenetic location: 14q24.3.
Variant type: single nucleotide variant.
Coding change: c.4189A>G on transcript NM_001040108.2 (MANE Select); coding-DNA position 4189, A replaced by G.
Protein change: p.Arg1397Gly; replaces arginine 1397 with glycine.
Molecular consequence: missense variant.
Genome position (GRCh38, 1-based): chr14:75,018,882, T>C on the plus strand (A>G on the coding strand, the complement: MLH3 is on the minus strand). VCF-style: chr14-75018882-T-C. GRCh37 (hg19) VCF-style: chr14-75485585-T-C.
Other names: c.4117A>G, p.Arg1373Gly (NM_014381.3); short protein forms R1373G, R1397G.
Identifiers: ClinVar variation 1738545 (VCV001738545.3), dbSNP rs1890077843, ClinGen allele CA390418863.
Genomic context (GRCh38, chr14:75,018,882, plus strand): 5'-AATGTACCTGTTTTTCCTGTTCCAAGTGGTCTATGTCAGCTAACGGCAGCATAGAAGGTC[T>C]CCCGTGAGCACACTGGAATGGCAGCTGGCATGAGGACAGAGCTTCAATAAGGCGGCAACT-3'
Protein context (NP_001035197.1, residues 1387-1407): CQLPFQCAHG[Arg1397Gly]PSMLPLADID

ClinVar aggregate classification (germline): Uncertain significance (1 of 4 stars; one submission).

Allele frequency attached by ClinVar (database versions not stated): TOPMed below 0.00001; gnomAD 0.00001.
gnomAD v4.1: 1 of 1,614,038 alleles (0.000062%); highest among the groups gnomAD compares: African/African-American, 0.0013%; no homozygotes.

Submission:

Ambry Genetics
Classification: Uncertain significance. Last evaluated: 2025-01-08. Review status: criteria provided, single submitter. Criteria: Ambry Variant Classification Scheme 2023. Collection method: clinical testing. Allele origin: germline.
Comment: The p.R1397G variant (also known as c.4189A>G), located in coding exon 11 of the MLH3 gene, results from an A to G substitution at nucleotide position 4189. The arginine at codon 1397 is replaced by glycine, an amino acid with dissimilar properties. This amino acid position is conserved. In addition, this alteration is predicted to be deleterious by in silico analysis. Since supporting evidence is limited at this time, the clinical significance of this alteration remains unclear.